The following is an entry in ClinVar:

ClinVar aggregate classification (germline): Uncertain significance (1 of 4 stars; one submission).

Submission:

Labcorp Genetics (formerly Invitae), Labcorp
Classification: Uncertain significance. Last evaluated: 2025-09-17. Review status: criteria provided, single submitter. Criteria: Invitae Variant Classification Sherloc (09022015). Collection method: clinical testing. Allele origin: germline.
Comment: This sequence change replaces methionine, which is neutral and non-polar, with threonine, which is neutral and polar, at codon 1260 of the MCM3AP protein (p.Met1260Thr). This variant is not present in population databases (gnomAD no frequency). This variant has not been reported in the literature in individuals affected with MCM3AP-related conditions. An algorithm developed to predict the effect of missense changes on protein structure and function (PolyPhen-2) suggests that this variant is likely to be disruptive. In summary, the available evidence is currently insufficient to determine the role of this variant in disease. Therefore, it has been classified as a Variant of Uncertain Significance.

NM_003906.5(MCM3AP):c.3779T>C (p.Met1260Thr)

Gene: MCM3AP (minichromosome maintenance complex component 3 associated protein; minus strand). Cytogenetic location: 21q22.3.
Variant type: single nucleotide variant.
Coding change: c.3779T>C on transcript NM_003906.5 (MANE Select); coding-DNA position 3779, T replaced by C.
Protein change: p.Met1260Thr; replaces methionine 1260 with threonine.
Molecular consequence: missense variant.
Genome position (GRCh38, 1-based): chr21:46,256,942, A>G on the plus strand (T>C on the coding strand, the complement: MCM3AP is on the minus strand). VCF-style: chr21-46256942-A-G. GRCh37 (hg19) VCF-style: chr21-47676856-A-G.
Other names: short protein forms M1260T.
Identifiers: ClinVar variation 4775239 (VCV004775239.1).